The following is an entry in ClinVar:

NM_006593.4(TBR1):c.1772C>G (p.Ala591Gly)

Gene: TBR1 (T-box brain transcription factor 1; plus strand). Cytogenetic location: 2q24.2.
Variant type: single nucleotide variant.
Coding change: c.1772C>G on transcript NM_006593.4 (MANE Select); coding-DNA position 1772, C replaced by G.
Protein change: p.Ala591Gly; replaces alanine 591 with glycine.
Molecular consequence: missense variant.
Genome position (GRCh38, 1-based): chr2:161,423,950, C>G. VCF-style: chr2-161423950-C-G. GRCh37 (hg19) VCF-style: chr2-162280461-C-G.
Other names: short protein forms A591G.
Identifiers: ClinVar variation 2442507 (VCV002442507.1), dbSNP rs1684278989, ClinGen allele CA349214430.
Genomic context (GRCh38, chr2:161,423,950, plus strand): 5'-CCGCCGCGCGCATGGCCGGCGCCAATCCCTACCTGGGCGAGGAGGCCGAGGGCCTGGCCG[C>G]CGAGCGCTCGCCGCTGCCGCCCGGCGCCGCCGAGGACGCCAAGCCCAAGGACCTGTCCGA-3'
Protein context (NP_006584.1, residues 581-601): YLGEEAEGLA[Ala591Gly]ERSPLPPGAA

ClinVar aggregate classification (germline): Uncertain significance (1 of 4 stars; one submission).

Allele frequency attached by ClinVar (database versions not stated): TOPMed 0.00001.
gnomAD v4.1: 2 of 1,546,106 alleles (0.00013%); highest among the groups gnomAD compares: Admixed American, 0.002%; no homozygotes.

Submission:

GeneDx
Classification: Uncertain significance. Last evaluated: 2022-08-30. Review status: criteria provided, single submitter. Criteria: GeneDx Variant Classification Process June 2021. Collection method: clinical testing. Allele origin: germline. Affected: yes.
Comment: Not observed at significant frequency in large population cohorts (gnomAD); In silico analysis supports that this missense variant does not alter protein structure/function; Has not been previously published as pathogenic or benign to our knowledge